The following is an entry in ClinVar:

ClinVar aggregate classification (germline): Likely benign (1 of 4 stars; one submission).

gnomAD v4.1: 1 of 1,310,172 alleles (0.000076%); highest among the groups gnomAD compares: Non-Finnish European, 0.000098%; no homozygotes.

Submission:

GeneDx
Classification: Likely benign. Last evaluated: 2014-03-25. Review status: criteria provided, single submitter. Criteria: GeneDx Variant Classification (06012015). Collection method: clinical testing. Allele origin: germline. Affected: yes.
Comment: This variant is considered likely benign or benign based on one or more of the following criteria: it is a conservative change, it occurs at a poorly conserved position in the protein, it is predicted to be benign by multiple in silico algorithms, and/or has population frequency not consistent with disease.

NM_020312.4(COQ9):c.34C>G (p.Arg12Gly)

Genes: COQ9 (coenzyme Q9; plus strand), LOC112469007 (Sharpr-MPRA regulatory region 5957; plus strand). Cytogenetic location: 16q21.
Variant type: single nucleotide variant.
Coding change: c.34C>G on transcript NM_020312.4 (MANE Select); coding-DNA position 34, C replaced by G.
Protein change: p.Arg12Gly; replaces arginine 12 with glycine.
Molecular consequence: missense variant.
Genome position (GRCh38, 1-based): chr16:57,447,539, C>G. VCF-style: chr16-57447539-C-G. GRCh37 (hg19) VCF-style: chr16-57481451-C-G.
Other names: p.R12G:CGG>GGG; short protein forms R12G.
Identifiers: ClinVar variation 214242 (VCV000214242.1), dbSNP rs538303703, ClinGen allele CA322290.